The following is an entry in ClinVar:

ClinVar aggregate classification (germline): Uncertain significance. Review status: criteria provided, single submitter (1 of 4 stars). 2 submissions from 2 submitters: Uncertain significance (1). 1 of the submissions does not count toward it. Last evaluated 2025-09-22.

Conditions:
Retinitis pigmentosa 59 (RP59). Identifiers: Orphanet 791, MedGen C3151227, MONDO:0013468, OMIM 613861.

Allele frequency attached by ClinVar (database versions not stated): TOPMed 0.00001.
gnomAD v4.1: 37 of 1,614,136 alleles (0.0023%); highest among the groups gnomAD compares: East Asian, 0.0045%; no homozygotes.

Submissions (2):

Labcorp Genetics (formerly Invitae), Labcorp
Classification: Uncertain significance for Retinitis pigmentosa 59. Last evaluated: 2025-09-22. Review status: criteria provided, single submitter. Criteria: Invitae Variant Classification Sherloc (09022015). Collection method: clinical testing. Allele origin: germline.
Comment: This sequence change replaces arginine, which is basic and polar, with glutamine, which is neutral and polar, at codon 284 of the DHDDS protein (p.Arg284Gln). This variant is present in population databases (rs761750566, gnomAD 0.01%). This variant has not been reported in the literature in individuals affected with DHDDS-related conditions. ClinVar contains an entry for this variant (Variation ID: 937489). An algorithm developed to predict the effect of missense changes on protein structure and function outputs the following: PolyPhen-2: "Benign". The glutamine amino acid residue is found in multiple mammalian species, which suggests that this missense change does not adversely affect protein function. In summary, the available evidence is currently insufficient to determine the role of this variant in disease. Therefore, it has been classified as a Variant of Uncertain Significance.

Natera, Inc.
Classification: Uncertain significance for Retinitis pigmentosa type 59. Last evaluated: 2020-07-16. Review status: no assertion criteria provided. Collection method: clinical testing. Allele origin: germline. Not counted in ClinVar's aggregate classification.

NM_205861.3(DHDDS):c.848G>A (p.Arg283Gln)

Gene: DHDDS (dehydrodolichyl diphosphate synthase subunit; plus strand). Cytogenetic location: 1p36.11.
Variant type: single nucleotide variant.
Coding change: c.848G>A on transcript NM_205861.3 (MANE Select); coding-DNA position 848, G replaced by A.
Protein change: p.Arg283Gln; replaces arginine 283 with glutamine.
Molecular consequence: missense variant.
Genome position (GRCh38, 1-based): chr1:26,468,977, G>A. VCF-style: chr1-26468977-G-A. GRCh37 (hg19) VCF-style: chr1-26795468-G-A.
Other names: c.746G>A, p.Arg249Gln (NM_001243564.2); c.731G>A, p.Arg244Gln (NM_001243565.2); c.569G>A, p.Arg190Gln (NM_001319959.2); c.851G>A, p.Arg284Gln (NM_024887.4); short protein forms R244Q, R249Q, R284Q, R190Q, R283Q.
Identifiers: ClinVar variation 937489 (VCV000937489.12), dbSNP rs761750566, ClinGen allele CA705473.
Genomic context (GRCh38, chr1:26,468,977, plus strand): 5'-AGGAGCGGAAGAGGCAGCAGCTGGAGAGGGACCAGGCTACAGTGACAGAGCAGCTGCTGC[G>A]AGAGGGGCTCCAAGCCAGTGGGGACGCCCAGCTCCGAAGGACACGCTTGCACAAACTCTC-3'
Protein context (NP_995583.1, residues 273-293): DQATVTEQLL[Arg283Gln]EGLQASGDAQ